The following is an entry in ClinVar:

ClinVar aggregate classification (germline): Uncertain significance (1 of 4 stars; one submission).

Conditions:
Primary familial hypertrophic cardiomyopathy (HCM). Identifiers: Orphanet 99739, MedGen C0949658, MeSH D024741, MONDO:0024573. Inheritance: Various modes of inheritance.

Submission:

Labcorp Genetics (formerly Invitae), Labcorp
Classification: Uncertain significance for Primary familial hypertrophic cardiomyopathy. Last evaluated: 2024-09-27. Review status: criteria provided, single submitter. Criteria: Invitae Variant Classification Sherloc (09022015). Collection method: clinical testing. Allele origin: germline.
Comment: This sequence change creates a premature translational stop signal (p.His420Argfs*3) in the ILK gene. While this is not anticipated to result in nonsense mediated decay, it is expected to disrupt the last 33 amino acid(s) of the ILK protein. This variant is present in population databases (rs751224777, gnomAD 0.006%). This variant has not been reported in the literature in individuals affected with ILK-related conditions. Experimental studies and prediction algorithms are not available or were not evaluated, and the functional significance of this variant is currently unknown. In summary, the available evidence is currently insufficient to determine the role of this variant in disease. Therefore, it has been classified as a Variant of Uncertain Significance.

NM_004517.4(ILK):c.1259_1260del (p.His420fs)

Genes: ILK (integrin linked kinase; plus strand), TAF10 (TATA-box binding protein associated factor 10; minus strand). Cytogenetic location: 11p15.4.
Variant type: Deletion.
Coding change: c.1259_1260del on transcript NM_004517.4 (MANE Select); coding-DNA positions 1259 to 1260, 2 bases deleted (AT; older notation c.1259_1260delAT).
Protein change: p.His420fs; shifts the reading frame from histidine 420.
Molecular consequence: frameshift variant. On other transcripts: 3 prime UTR variant (1).
Genome position (GRCh38, 1-based): chr11:6,610,511-6,610,512, AT deleted. VCF-style (leftmost placement, unchanged base first): chr11-6610510-CAT-C. GRCh37 (hg19) VCF-style: chr11-6631741-CAT-C.
Other names: c.1259_1260del, p.His420fs (NM_001014794.3, NM_001014795.3); c.1076_1077del, p.His359fs (NM_001278441.2); c.857_858del, p.His286fs (NM_001278442.2); c.*410_*411del (NM_006284.4); short protein forms H286fs, H359fs, H420fs.
Identifiers: ClinVar variation 3607283 (VCV003607283.2).